The following is an entry in ClinVar:

ClinVar aggregate classification (germline): Uncertain significance (1 of 4 stars; one submission).

gnomAD v4.1: 9 of 1,614,064 alleles (0.00056%); highest among the groups gnomAD compares: African/African-American, 0.004%; no homozygotes.

Submission:

Labcorp Genetics (formerly Invitae), Labcorp
Classification: Uncertain significance. Last evaluated: 2024-05-27. Review status: criteria provided, single submitter. Criteria: Invitae Variant Classification Sherloc (09022015). Collection method: clinical testing. Allele origin: germline.
Comment: This sequence change replaces asparagine, which is neutral and polar, with serine, which is neutral and polar, at codon 2366 of the TRRAP protein (p.Asn2366Ser). This variant is present in population databases (rs368157155, gnomAD 0.01%). This variant has not been reported in the literature in individuals affected with TRRAP-related conditions. Advanced modeling of protein sequence and biophysical properties (such as structural, functional, and spatial information, amino acid conservation, physicochemical variation, residue mobility, and thermodynamic stability) performed at Invitae indicates that this missense variant is not expected to disrupt TRRAP protein function with a negative predictive value of 80%. In summary, the available evidence is currently insufficient to determine the role of this variant in disease. Therefore, it has been classified as a Variant of Uncertain Significance.

NM_001375524.1(TRRAP):c.7172A>G (p.Asn2391Ser)

Gene: TRRAP (transformation/transcription domain associated protein; plus strand). Cytogenetic location: 7q22.1.
Variant type: single nucleotide variant.
Coding change: c.7172A>G on transcript NM_001375524.1 (MANE Select); coding-DNA position 7172, A replaced by G.
Protein change: p.Asn2391Ser; replaces asparagine 2391 with serine.
Molecular consequence: missense variant.
Genome position (GRCh38, 1-based): chr7:98,965,891, A>G. VCF-style: chr7-98965891-A-G. GRCh37 (hg19) VCF-style: chr7-98563514-A-G.
Other names: c.7151A>G, p.Asn2384Ser (NM_001244580.2); c.7097A>G, p.Asn2366Ser (NM_003496.4); short protein forms N2366S, N2384S, N2391S.
Identifiers: ClinVar variation 3612798 (VCV003612798.2).